The following is an entry in ClinVar:

NM_003978.5(PSTPIP1):c.400T>C (p.Tyr134His)

Gene: PSTPIP1 (proline-serine-threonine phosphatase interacting protein 1; plus strand). Cytogenetic location: 15q24.3.
Variant type: single nucleotide variant.
Coding change: c.400T>C on transcript NM_003978.5 (MANE Select); coding-DNA position 400, T replaced by C.
Protein change: p.Tyr134His; replaces tyrosine 134 with histidine.
Molecular consequence: missense variant. On other transcripts: non-coding transcript variant (1).
Genome position (GRCh38, 1-based): chr15:77,027,897, T>C. VCF-style: chr15-77027897-T-C. GRCh37 (hg19) VCF-style: chr15-77320238-T-C.
Other names: c.400T>C, p.Tyr134His (NM_001321135.2); c.373T>C, p.Tyr125His (NM_001321136.2); c.595T>C, p.Tyr199His (NM_001321137.1); short protein forms Y199H, Y125H, Y134H.
Identifiers: ClinVar variation 1393315 (VCV001393315.6), dbSNP rs374212404, ClinGen allele CA7675806.

ClinVar aggregate classification (germline): Uncertain significance (1 of 4 stars; one submission).

Conditions:
Pyogenic arthritis-pyoderma gangrenosum-acne syndrome (PAPA). Also called: FAMILIAL RECURRENT ARTHRITIS; PAPA SYNDROME. Identifiers: Orphanet 69126, MedGen C1858361, MONDO:0011462, OMIM 604416.

Allele frequency attached by ClinVar (database versions not stated): gnomAD 0.00001; TOPMed 0.00001; gnomAD exomes 0.00002; ExAC 0.00004; ESP Exome Variant Server 0.00008.
gnomAD v4.1: 24 of 1,565,236 alleles (0.0015%); highest among the groups gnomAD compares: Non-Finnish European, 0.0019%; no homozygotes.

Submission:

Labcorp Genetics (formerly Invitae), Labcorp
Classification: Uncertain significance for Pyogenic arthritis-pyoderma gangrenosum-acne syndrome. Last evaluated: 2021-10-13. Review status: criteria provided, single submitter. Criteria: Invitae Variant Classification Sherloc (09022015). Collection method: clinical testing. Allele origin: germline.
Comment: In summary, the available evidence is currently insufficient to determine the role of this variant in disease. Therefore, it has been classified as a Variant of Uncertain Significance. Algorithms developed to predict the effect of missense changes on protein structure and function output the following: SIFT: "Tolerated"; PolyPhen-2: "Benign"; Align-GVGD: "Class C0". The histidine amino acid residue is found in multiple mammalian species, which suggests that this missense change does not adversely affect protein function. This sequence change replaces tyrosine with histidine at codon 134 of the PSTPIP1 protein (p.Tyr134His). The tyrosine residue is highly conserved and there is a moderate physicochemical difference between tyrosine and histidine. This variant is present in population databases (rs374212404, ExAC 0.01%). This variant has not been reported in the literature in individuals affected with PSTPIP1-related conditions.